The following is an entry in ClinVar:

NM_001382391.1(CSPP1):c.1787_1790del (p.Lys596fs)

Gene: CSPP1 (centrosome and spindle pole associated protein 1; plus strand). Cytogenetic location: 8q13.2.
Variant type: Deletion.
Coding change: c.1787_1790del on transcript NM_001382391.1 (MANE Select); coding-DNA positions 1787 to 1790, 4 bases deleted (AACA; older notation c.1787_1790delAACA).
Protein change: p.Lys596fs; shifts the reading frame from lysine 596.
Molecular consequence: frameshift variant.
Genome position (GRCh38, 1-based): chr8:67,132,040-67,132,043, AACA deleted; deleting any 4 consecutive bases within chr8:67,132,038-67,132,043 gives the same sequence; the c. name uses the placement nearest the transcript's 3' end. VCF-style (leftmost placement, unchanged base first): chr8-67132037-CCAAA-C. GRCh37 (hg19) VCF-style: chr8-68044272-CCAAA-C.
Other names: c.1772_1775delAACA (NM_024790.6); c.890_893del, p.Lys297fs (NM_001291339.2); c.1706_1709del, p.Lys569fs (NM_001363131.2); c.1745_1748del, p.Lys582fs (NM_001363132.2); c.1664_1667del, p.Lys555fs (NM_001363133.2); c.1853_1856del, p.Lys618fs (NM_001364869.1); c.1673_1676del, p.Lys558fs (NM_001364870.1); c.1772_1775delAACA, p.Lys591Serfs (NM_024790.7); short protein forms K555fs, K618fs, K297fs, K582fs, K591fs, K596fs, K558fs, K569fs.
Identifiers: ClinVar variation 1451541 (VCV001451541.8), dbSNP rs1409618249, ClinGen allele CA582515559.

ClinVar aggregate classification (germline): Pathogenic/Likely pathogenic. Review status: criteria provided, multiple submitters, no conflicts (2 of 4 stars). 3 submissions from 3 submitters: Pathogenic (1); Likely pathogenic (1). 1 of the submissions does not count toward it. Last evaluated 2024-05-16.

Conditions:
CSPP1-related disorder. Also called: CSPP1-related condition.
Joubert syndrome 21 (JBTS21). Identifiers: MedGen C3810212, MONDO:0014288, OMIM 615636.

Submissions (3):

Blueprint Genetics
Classification: Likely pathogenic for CSPP1-related disorders. Last evaluated: 2024-05-16. Review status: criteria provided, single submitter. Criteria: ACMG Guidelines, 2015. Collection method: clinical testing. Allele origin: germline. Affected: yes. Observed: 1 variant allele.

Labcorp Genetics (formerly Invitae), Labcorp
Classification: Pathogenic for Joubert syndrome 21. Last evaluated: 2021-08-26. Review status: criteria provided, single submitter. Criteria: Invitae Variant Classification Sherloc (09022015). Collection method: clinical testing. Allele origin: germline.
Comment: This variant has not been reported in the literature in individuals affected with CSPP1-related conditions. This sequence change creates a premature translational stop signal (p.Lys591Serfs*35) in the CSPP1 gene. It is expected to result in an absent or disrupted protein product. Loss-of-function variants in CSPP1 are known to be pathogenic (PMID: 24360807, 24360808). This variant is not present in population databases (ExAC no frequency). For these reasons, this variant has been classified as Pathogenic.

PreventionGenetics, part of Exact Sciences
Classification: Pathogenic for CSPP1-related condition. Last evaluated: 2024-09-20. Review status: no assertion criteria provided. Collection method: clinical testing. Allele origin: germline. Not counted in ClinVar's aggregate classification.
Comment: The CSPP1 c.1772_1775delAACA variant is predicted to result in a frameshift and premature protein termination (p.Lys591Serfs*35). To our knowledge, this variant has not been reported in the literature in a patient with a CSPP1 related disorder. This variant is reported in 0.0041% of alleles in individuals of African descent in gnomAD. Frameshift variants in CSPP1 are expected to be pathogenic. This variant is interpreted as pathogenic.

Literature cited by the submitters: PubMed 24360807 (cited by Labcorp Genetics (formerly Invitae), Labcorp); PubMed 24360808 (cited by Labcorp Genetics (formerly Invitae), Labcorp).